The following is an entry in ClinVar:

ClinVar aggregate classification (germline): Uncertain significance (1 of 4 stars; one submission).

Conditions:
Hereditary cancer-predisposing syndrome. Also called: Neoplastic Syndromes, Hereditary; Tumor predisposition; Hereditary neoplastic syndrome; Hereditary Cancer Syndrome. Identifiers: Orphanet 140162, MedGen C0027672, MeSH D009386, MONDO:0015356.

Submission:

Ambry Genetics
Classification: Uncertain significance for Hereditary cancer-predisposing syndrome. Last evaluated: 2026-07-06. Review status: criteria provided, single submitter. Criteria: Ambry Variant Classification Scheme 2023. Collection method: clinical testing. Allele origin: germline.
Comment: The p.A290V variant (also known as c.869C>T), located in coding exon 6 of the FH gene, results from a C to T substitution at nucleotide position 869. The alanine at codon 290 is replaced by valine, an amino acid with similar properties. This amino acid position is conserved. In addition, this alteration is predicted to be deleterious by in silico analysis. Based on the available evidence, the clinical significance of this variant remains unclear.

NM_000143.4(FH):c.869C>T (p.Ala290Val)

Gene: FH (fumarate hydratase; minus strand). Cytogenetic location: 1q43.
Variant type: single nucleotide variant.
Coding change: c.869C>T on transcript NM_000143.4 (MANE Select); coding-DNA position 869, C replaced by T.
Protein change: p.Ala290Val; replaces alanine 290 with valine.
Molecular consequence: missense variant.
Genome position (GRCh38, 1-based): chr1:241,506,038, G>A on the plus strand (C>T on the coding strand, the complement: FH is on the minus strand). VCF-style: chr1-241506038-G-A. GRCh37 (hg19) VCF-style: chr1-241669338-G-A.
Other names: short protein forms A290V.
Identifiers: ClinVar variation 5021694 (VCV005021694.1).